The following is an entry in ClinVar:

NM_001377265.1(MAPT):c.1830A>C (p.Pro610=)

Gene: MAPT (microtubule associated protein tau). Cytogenetic location: 17q21.31.
Variant type: single nucleotide variant.
Coding change: c.1830A>C on transcript NM_001377265.1 (MANE Select); coding-DNA position 1830, A replaced by C.
Protein change: p.Pro610=; no amino-acid change (proline 610 retained).
Molecular consequence: synonymous variant.
Genome position (GRCh38, 1-based): chr17:45,996,496, A>C. VCF-style: chr17-45996496-A-C. GRCh37 (hg19) VCF-style: chr17-44073862-A-C.
Other names: c.567A>C, p.Pro189= (NM_001377267.1, NM_001123067.4, NM_001203251.2); c.480A>C, p.Pro160= (NM_001377268.1, NM_016834.5, NM_016841.5); c.654A>C, p.Pro218= (NM_005910.6, NM_001203252.2); c.1605A>C, p.Pro535= (NM_016835.5); c.1659A>C, p.Pro553= (NM_001123066.4); c.1632A>C, p.Pro544= (NM_001377266.1).
Identifiers: ClinVar variation 2647853 (VCV002647853.25), dbSNP rs767566992, ClinGen allele CA500643965.

ClinVar aggregate classification (germline): Likely benign. Review status: criteria provided, multiple submitters, no conflicts (2 of 4 stars). 2 submissions from 2 submitters: Likely benign (2). Last evaluated 2024-11-27.

Submissions (2):

Blueprint Genetics
Classification: Likely benign. Last evaluated: 2024-11-27. Review status: criteria provided, single submitter. Criteria: ACMG Guidelines, 2015. Collection method: clinical testing. Allele origin: germline.

CeGaT Center for Human Genetics Tuebingen
Classification: Likely benign. Last evaluated: 2022-11-01. Review status: criteria provided, single submitter. Criteria: CeGaT Center For Human Genetics Tuebingen Variant Classification Criteria Version 2. Collection method: clinical testing. Allele origin: germline. Affected: yes. Observed: 2 variant alleles.
Comment: MAPT: BP4, BP7